The following is an entry in ClinVar:

ClinVar aggregate classification (germline): Uncertain significance (1 of 4 stars; one submission).

Conditions:
Hereditary cancer-predisposing syndrome. Also called: Tumor predisposition; Hereditary Cancer Syndrome; Hereditary neoplastic syndrome; Neoplastic Syndromes, Hereditary. Identifiers: Orphanet 140162, MedGen C0027672, MeSH D009386, MONDO:0015356.

gnomAD v4.1: 1 of 1,614,204 alleles (0.000062%); highest among the groups gnomAD compares: Non-Finnish European, 0.000085%; no homozygotes.

Submission:

Ambry Genetics
Classification: Uncertain significance for Hereditary cancer-predisposing syndrome. Last evaluated: 2025-12-07. Review status: criteria provided, single submitter. Criteria: Ambry Variant Classification Scheme 2023. Collection method: clinical testing. Allele origin: germline.
Comment: The p.H202R variant (also known as c.605A>G), located in coding exon 5 of the SDHA gene, results from an A to G substitution at nucleotide position 605. The histidine at codon 202 is replaced by arginine, an amino acid with highly similar properties. This amino acid position is conserved. In addition, this alteration is predicted to be deleterious by in silico analysis. Based on the available evidence, the clinical significance of this variant remains unclear.

NM_004168.4(SDHA):c.605A>G (p.His202Arg)

Gene: SDHA (succinate dehydrogenase complex flavoprotein subunit A; plus strand). Cytogenetic location: 5p15.33.
Variant type: single nucleotide variant.
Coding change: c.605A>G on transcript NM_004168.4 (MANE Select); coding-DNA position 605, A replaced by G.
Protein change: p.His202Arg; replaces histidine 202 with arginine.
Molecular consequence: missense variant.
Genome position (GRCh38, 1-based): chr5:226,031, A>G. VCF-style: chr5-226031-A-G. GRCh37 (hg19) VCF-style: chr5-226146-A-G.
Other names: c.461A>G, p.His154Arg (NM_001294332.2); c.605A>G, p.His202Arg (NM_001330758.2); short protein forms H202R, H154R.
Identifiers: ClinVar variation 4547045 (VCV004547045.1).